The following is an entry in ClinVar:

ClinVar aggregate classification (germline): Uncertain significance (1 of 4 stars; one submission).

Allele frequency attached by ClinVar (database versions not stated): ExAC 0.00001; gnomAD 0.00001; gnomAD exomes 0.00001; TOPMed 0.00003.

Submission:

Labcorp Genetics (formerly Invitae), Labcorp
Classification: Uncertain significance. Last evaluated: 2024-10-22. Review status: criteria provided, single submitter. Criteria: Invitae Variant Classification Sherloc (09022015). Collection method: clinical testing. Allele origin: germline.
Comment: This sequence change replaces methionine, which is neutral and non-polar, with threonine, which is neutral and polar, at codon 10 of the SPP2 protein (p.Met10Thr). This variant is present in population databases (rs756261230, gnomAD 0.009%). This variant has not been reported in the literature in individuals affected with SPP2-related conditions. ClinVar contains an entry for this variant (Variation ID: 1982068). An algorithm developed to predict the effect of missense changes on protein structure and function outputs the following: PolyPhen-2: "Benign". The threonine amino acid residue is found in multiple mammalian species, which suggests that this missense change does not adversely affect protein function. In summary, the available evidence is currently insufficient to determine the role of this variant in disease. Therefore, it has been classified as a Variant of Uncertain Significance.

NM_006944.3(SPP2):c.29T>C (p.Met10Thr)

Gene: SPP2 (secreted phosphoprotein 2; plus strand). Cytogenetic location: 2q37.1.
Variant type: single nucleotide variant.
Coding change: c.29T>C on transcript NM_006944.3 (MANE Select); coding-DNA position 29, T replaced by C.
Protein change: p.Met10Thr; replaces methionine 10 with threonine.
Molecular consequence: missense variant.
Genome position (GRCh38, 1-based): chr2:234,050,815, T>C. VCF-style: chr2-234050815-T-C. GRCh37 (hg19) VCF-style: chr2-234959459-T-C.
Other names: short protein forms M10T.
Identifiers: ClinVar variation 1982068 (VCV001982068.4), dbSNP rs756261230, ClinGen allele CA2183043.